The following is an entry in ClinVar:

NM_001171613.2(PREPL):c.1711C>A (p.Leu571Ile)

Gene: PREPL (prolyl endopeptidase like; minus strand). Cytogenetic location: 2p21.
Variant type: single nucleotide variant.
Coding change: c.1711C>A on transcript NM_001171613.2 (MANE Select); coding-DNA position 1711, C replaced by A.
Protein change: p.Leu571Ile; replaces leucine 571 with isoleucine.
Molecular consequence: missense variant.
Genome position (GRCh38, 1-based): chr2:44,322,773, G>T on the plus strand (C>A on the coding strand, the complement: PREPL is on the minus strand). VCF-style: chr2-44322773-G-T. GRCh37 (hg19) VCF-style: chr2-44549912-G-T.
Other names: c.1792C>A, p.Leu598Ile (NM_001042385.2); c.1780C>A, p.Leu594Ile (NM_001042386.2); c.1978C>A, p.Leu660Ile (NM_001171603.1, NM_001171606.2, NM_001374275.1 and 2 more transcripts); c.1711C>A, p.Leu571Ile (NM_001171617.1, NM_001374277.1); short protein forms L598I, L660I, L571I, L594I.
Identifiers: ClinVar variation 4760912 (VCV004760912.1).
Genomic context (GRCh38, chr2:44,322,773, plus strand): 5'-TTCTAGGGGGTCTCCTACCTTCACCTGTGTCCTTAGCATGCTCCGCGATGGCTTCCTTGA[G>T]TTTCTCAGTATAACTTACAATTCCTTTCAGAGGTACCCGTTCATCGTTTTCATATGCCGT-3'
Protein context (NP_001165084.1, residues 561-581): LKGIVSYTEK[Leu571Ile]KEAIAEHAKD

ClinVar aggregate classification (germline): Uncertain significance (1 of 4 stars; one submission).

Conditions:
Myasthenic syndrome, congenital, 22 (CMS22). Also called: PREPL DEFICIENCY. Identifiers: MedGen C4479088, MONDO:0044299, OMIM 616224.

Submission:

Labcorp Genetics (formerly Invitae), Labcorp
Classification: Uncertain significance for Myasthenic syndrome, congenital, 22. Last evaluated: 2025-04-01. Review status: criteria provided, single submitter. Criteria: Invitae Variant Classification Sherloc (09022015). Collection method: clinical testing. Allele origin: germline.
Comment: This sequence change replaces leucine, which is neutral and non-polar, with isoleucine, which is neutral and non-polar, at codon 660 of the PREPL protein (p.Leu660Ile). This variant is not present in population databases (gnomAD no frequency). This variant has not been reported in the literature in individuals affected with PREPL-related conditions. Invitae Evidence Modeling of protein sequence and biophysical properties (such as structural, functional, and spatial information, amino acid conservation, physicochemical variation, residue mobility, and thermodynamic stability) indicates that this missense variant is not expected to disrupt PREPL protein function with a negative predictive value of 80%. In summary, the available evidence is currently insufficient to determine the role of this variant in disease. Therefore, it has been classified as a Variant of Uncertain Significance.